The following is an entry in ClinVar:

ClinVar aggregate classification (germline): Uncertain significance (1 of 4 stars; one submission).

Conditions:
Hereditary cancer-predisposing syndrome. Also called: Neoplastic Syndromes, Hereditary; Tumor predisposition; Hereditary Cancer Syndrome; Hereditary neoplastic syndrome. Identifiers: Orphanet 140162, MedGen C0027672, MeSH D009386, MONDO:0015356.

gnomAD v4.1: 1 of 1,487,810 alleles (0.000067%); highest among the groups gnomAD compares: South Asian, 0.0011%; no homozygotes.

Submission:

Ambry Genetics
Classification: Uncertain significance for Hereditary cancer-predisposing syndrome. Last evaluated: 2026-03-16. Review status: criteria provided, single submitter. Criteria: Ambry Variant Classification Scheme 2023. Collection method: clinical testing. Allele origin: germline.
Comment: The p.D1246G variant (also known as c.3737A>G), located in coding exon 24 of the ATM gene, results from an A to G substitution at nucleotide position 3737. The aspartic acid at codon 1246 is replaced by glycine, an amino acid with similar properties. This amino acid position is not well conserved in available vertebrate species. In addition, the in silico prediction for this alteration is inconclusive. Based on the available evidence, the clinical significance of this variant remains unclear.

NM_000051.4(ATM):c.3737A>G (p.Asp1246Gly)

Gene: ATM (ATM serine/threonine kinase; plus strand). Cytogenetic location: 11q22.3.
Variant type: single nucleotide variant.
Coding change: c.3737A>G on transcript NM_000051.4 (MANE Select); coding-DNA position 3737, A replaced by G.
Protein change: p.Asp1246Gly; replaces aspartic acid 1246 with glycine.
Molecular consequence: missense variant.
Genome position (GRCh38, 1-based): chr11:108,282,870, A>G. VCF-style: chr11-108282870-A-G. GRCh37 (hg19) VCF-style: chr11-108153597-A-G.
Other names: c.3737A>G, p.Asp1246Gly (NM_001351834.2); short protein forms D1246G.
Identifiers: ClinVar variation 4865939 (VCV004865939.1).